The following is an entry in ClinVar:

ClinVar aggregate classification (germline): Uncertain significance. Review status: criteria provided, multiple submitters, no conflicts (2 of 4 stars). 2 submissions from 2 submitters: Uncertain significance (2). Last evaluated 2023-05-23.

Conditions:
Ataxia-telangiectasia syndrome (AT). Also called: LOUIS-BAR SYNDROME; Cerebello-oculocutaneous telangiectasia; Immunodeficiency with ataxia telangiectasia; Ataxia-telangiectasia, complementation group D; AT, COMPLEMENTATION GROUP C; ATAXIA-TELANGIECTASIA, COMPLEMENTATION GROUP A. Identifiers: Orphanet 100, MedGen C0004135, MONDO:0008840, OMIM 208900.
Hereditary cancer-predisposing syndrome. Also called: Neoplastic Syndromes, Hereditary; Tumor predisposition; Hereditary Cancer Syndrome; Hereditary neoplastic syndrome. Identifiers: Orphanet 140162, MedGen C0027672, MeSH D009386, MONDO:0015356.

Submissions (2):

Labcorp Genetics (formerly Invitae), Labcorp
Classification: Uncertain significance for Ataxia-telangiectasia syndrome. Last evaluated: 2023-05-23. Review status: criteria provided, single submitter. Criteria: Invitae Variant Classification Sherloc (09022015). Collection method: clinical testing. Allele origin: germline.
Comment: In summary, the available evidence is currently insufficient to determine the role of this variant in disease. Therefore, it has been classified as a Variant of Uncertain Significance. Algorithms developed to predict the effect of missense changes on protein structure and function output the following: SIFT: "Not Available"; PolyPhen-2: "Benign"; Align-GVGD: "Not Available". The proline amino acid residue is found in multiple mammalian species, which suggests that this missense change does not adversely affect protein function. ClinVar contains an entry for this variant (Variation ID: 1737771). This variant has not been reported in the literature in individuals affected with ATM-related conditions. This variant is not present in population databases (gnomAD no frequency). This sequence change replaces leucine, which is neutral and non-polar, with proline, which is neutral and non-polar, at codon 1365 of the ATM protein (p.Leu1365Pro).

Ambry Genetics
Classification: Uncertain significance for Hereditary cancer-predisposing syndrome. Last evaluated: 2022-03-02. Review status: criteria provided, single submitter. Criteria: Ambry Variant Classification Scheme 2023. Collection method: clinical testing. Allele origin: germline.
Comment: The p.L1365P variant (also known as c.4094T>C), located in coding exon 26 of the ATM gene, results from a T to C substitution at nucleotide position 4094. The leucine at codon 1365 is replaced by proline, an amino acid with similar properties. This amino acid position is conserved. In addition, this alteration is predicted to be tolerated by in silico analysis. Since supporting evidence is limited at this time, the clinical significance of this alteration remains unclear.

NM_000051.4(ATM):c.4094T>C (p.Leu1365Pro)

Gene: ATM (ATM serine/threonine kinase; plus strand). Cytogenetic location: 11q22.3.
Variant type: single nucleotide variant.
Coding change: c.4094T>C on transcript NM_000051.4 (MANE Select); coding-DNA position 4094, T replaced by C.
Protein change: p.Leu1365Pro; replaces leucine 1365 with proline.
Molecular consequence: missense variant.
Genome position (GRCh38, 1-based): chr11:108,287,700, T>C. VCF-style: chr11-108287700-T-C. GRCh37 (hg19) VCF-style: chr11-108158427-T-C.
Other names: c.4094T>C, p.Leu1365Pro (NM_001351834.2); short protein forms L1365P.
Identifiers: ClinVar variation 1737771 (VCV001737771.5), dbSNP rs2546898838, ClinGen allele CA382528509.